The following is an entry in ClinVar:

ClinVar aggregate classification (germline): Benign (0 of 4 stars; one submission).

Conditions:
CUL9-related disorder. Also called: CUL9-related condition.

Submission:

PreventionGenetics, part of Exact Sciences
Classification: Benign for CUL9-related condition. Last evaluated: 2020-01-02. Review status: no assertion criteria provided. Collection method: clinical testing. Allele origin: germline.
Comment: This variant is classified as benign based on ACMG/AMP sequence variant interpretation guidelines (Richards et al. 2015 PMID: 25741868, with internal and published modifications).

NM_015089.4(CUL9):c.2871_2873del (p.Gly958del)

Gene: CUL9 (cullin 9; plus strand). Cytogenetic location: 6p21.1.
Variant type: Deletion.
Coding change: c.2871_2873del on transcript NM_015089.4 (MANE Select); coding-DNA positions 2871 to 2873, 3 bases deleted (GGG; older notation c.2871_2873delGGG).
Protein change: p.Gly958del; deletes glycine 958.
Genome position (GRCh38, 1-based): chr6:43,198,676-43,198,678, GGG deleted; deleting any 3 consecutive bases within chr6:43,198,674-43,198,678 gives the same sequence; the c. name uses the placement nearest the transcript's 3' end. VCF-style (leftmost placement, unchanged base first): chr6-43198673-TGGG-T. GRCh37 (hg19) VCF-style: chr6-43166411-TGGG-T.
Other names: short protein forms G958del.
Identifiers: ClinVar variation 3056734 (VCV003056734.2), dbSNP rs3215697, ClinGen allele CA3817686.